The following is an entry in ClinVar:

ClinVar aggregate classification (germline): Uncertain significance (1 of 4 stars; one submission).

Conditions:
Cortical dysplasia, complex, with other brain malformations 10. Identifiers: MedGen C5231458, MONDO:0032866, OMIM 618677.

Submission:

Neuberg Centre For Genomic Medicine, NCGM
Classification: Uncertain significance for Cortical dysplasia, complex, with other brain malformations 10. Last evaluated: 2023-06-22. Review status: criteria provided, single submitter. Criteria: ACMG Guidelines, 2015. Collection method: clinical testing. Allele origin: germline. Inheritance: Autosomal recessive inheritance. Affected: yes.
Comment: The observed splice region variant c.141+6G>A in the APC2 gene has not been reported previously as a pathogenic variant nor as a benign variant, to our knowledge. This variant is absent in the gnomAD Exomes. This splice region variant in intron 1 affects the position six nucleotides downstream of exon 2. The variant is predicted to be benign by SpliceAI prediction tool. For these reasons, this variant has been classified as Uncertain Significance (VUS).

NM_005883.3(APC2):c.141+6G>A

Gene: APC2 (APC regulator of WNT signaling pathway 2; plus strand). Cytogenetic location: 19p13.3.
Variant type: single nucleotide variant.
Coding change: c.141+6G>A on transcript NM_005883.3 (MANE Select); 6 bases into the intron after coding-DNA position 141, G replaced by A.
Molecular consequence: intron variant.
Genome position (GRCh38, 1-based): chr19:1,453,148, G>A. VCF-style: chr19-1453148-G-A. GRCh37 (hg19) VCF-style: chr19-1453147-G-A.
Other names: c.141+6G>A (NM_001351273.1).
Identifiers: ClinVar variation 3377715 (VCV003377715.1).
Genomic context (GRCh38, chr19:1,453,148, plus strand): 5'-AAGGGACAACTCCAGCCACCTGTCCAAGCTGGAGACAGAGACGTCGGGCATGAAGGTGGG[G>A]GCCTACATGGAGGAGGTGGGCTAGGGTCCCGGGGTGGTGCCCCCCGGCAGCCCAGTGCAG-3'